The following is an entry in ClinVar:

ClinVar aggregate classification (germline): Uncertain significance (1 of 4 stars; one submission).

Submission:

GeneDx
Classification: Uncertain significance. Last evaluated: 2026-03-25. Review status: criteria provided, single submitter. Criteria: GeneDx Variant Classification Process June 2021. Collection method: clinical testing. Allele origin: germline.
Comment: Not observed at significant frequency in large population cohorts (gnomAD); In silico analysis supports that this missense variant has a deleterious effect on protein structure/function; Has not been previously published as pathogenic or benign to our knowledge

NM_194454.3(KRIT1):c.45T>G (p.Ile15Met)

Gene: KRIT1 (KRIT1 ankyrin repeat containing; minus strand). Cytogenetic location: 7q21.2.
Variant type: single nucleotide variant.
Coding change: c.45T>G on transcript NM_194454.3 (MANE Select); coding-DNA position 45, T replaced by G.
Protein change: p.Ile15Met; replaces isoleucine 15 with methionine.
Molecular consequence: missense variant. On other transcripts: 5 prime UTR variant (1).
Genome position (GRCh38, 1-based): chr7:92,242,091, A>C on the plus strand (T>G on the coding strand, the complement: KRIT1 is on the minus strand). VCF-style: chr7-92242091-A-C. GRCh37 (hg19) VCF-style: chr7-91871405-A-C.
Other names: c.45T>G, p.Ile15Met (NM_001013406.2, NM_001350669.1, NM_001350670.1 and 29 more transcripts); c.-539T>G (NM_001350671.1); short protein forms I15M.
Identifiers: ClinVar variation 5017559 (VCV005017559.1).